The following is an entry in ClinVar:

NM_002693.3(POLG):c.1229A>T (p.Gln410Leu)

Gene: POLG (DNA polymerase gamma, catalytic subunit; minus strand). Cytogenetic location: 15q26.1.
Variant type: single nucleotide variant.
Coding change: c.1229A>T on transcript NM_002693.3 (MANE Select); coding-DNA position 1229, A replaced by T.
Protein change: p.Gln410Leu; replaces glutamine 410 with leucine.
Molecular consequence: missense variant.
Genome position (GRCh38, 1-based): chr15:89,328,477, T>A on the plus strand (A>T on the coding strand, the complement: POLG is on the minus strand). VCF-style: chr15-89328477-T-A. GRCh37 (hg19) VCF-style: chr15-89871708-T-A.
Other names: c.1229A>T, p.Gln410Leu (NM_001126131.2); short protein forms Q410L.
Identifiers: ClinVar variation 1011375 (VCV001011375.9), dbSNP rs2055552006, ClinGen allele CA393764013.

ClinVar aggregate classification (germline): Uncertain significance (1 of 4 stars; one submission).

Conditions:
Progressive sclerosing poliodystrophy (MTDPS4A). Also called: ALPERS PROGRESSIVE INFANTILE POLIODYSTROPHY; ALPERS DIFFUSE DEGENERATION OF CEREBRAL GRAY MATTER WITH HEPATIC CIRRHOSIS; Alpers-Huttenlocher Syndrome; NEURONAL DEGENERATION OF CHILDHOOD WITH LIVER DISEASE, PROGRESSIVE; Alpers Syndrome; Mitochondrial DNA Depletion Syndrome 4A. Identifiers: Orphanet 726, MedGen C0205710, MONDO:0008758, OMIM 203700.

Submission:

Labcorp Genetics (formerly Invitae), Labcorp
Classification: Uncertain significance for Progressive sclerosing poliodystrophy. Last evaluated: 2022-11-22. Review status: criteria provided, single submitter. Criteria: Invitae Variant Classification Sherloc (09022015). Collection method: clinical testing. Allele origin: germline.
Comment: This sequence change replaces glutamine, which is neutral and polar, with leucine, which is neutral and non-polar, at codon 410 of the POLG protein (p.Gln410Leu). In summary, the available evidence is currently insufficient to determine the role of this variant in disease. Therefore, it has been classified as a Variant of Uncertain Significance. Advanced modeling of protein sequence and biophysical properties (such as structural, functional, and spatial information, amino acid conservation, physicochemical variation, residue mobility, and thermodynamic stability) performed at Invitae indicates that this missense variant is not expected to disrupt POLG protein function. ClinVar contains an entry for this variant (Variation ID: 1011375). This variant has not been reported in the literature in individuals affected with POLG-related conditions. This variant is not present in population databases (gnomAD no frequency).